The following is an entry in ClinVar:

ClinVar aggregate classification (germline): Uncertain significance (1 of 4 stars; one submission).

Conditions:
Blau syndrome (BLAUS). Also called: GRANULOMATOSIS, FAMILIAL JUVENILE SYSTEMIC; GRANULOMATOSIS, FAMILIAL, BLAU TYPE; GRANULOMATOUS INFLAMMATORY ARTHRITIS, DERMATITIS, AND UVEITIS, FAMILIAL; JABS SYNDROME; ARTHROCUTANEOUVEAL GRANULOMATOSIS. Identifiers: Orphanet 90340, MedGen C5201146, MONDO:0008523, OMIM 186580.
Regional enteritis. Also called: Enteritis, Granulomatous. Identifiers: MedGen C0678202, MeSH D003424.

Allele frequency attached by ClinVar (database versions not stated): gnomAD exomes 0.00001.
gnomAD v4.1: 6 of 1,602,154 alleles (0.00037%); highest among the groups gnomAD compares: Non-Finnish European, 0.00051%; no homozygotes.

Submission:

Labcorp Genetics (formerly Invitae), Labcorp
Classification: Uncertain significance for Regional enteritis; Blau syndrome. Last evaluated: 2021-09-10. Review status: criteria provided, single submitter. Criteria: Invitae Variant Classification Sherloc (09022015). Collection method: clinical testing. Allele origin: germline.
Comment: This sequence change falls in intron 10 of the NOD2 gene. It does not directly change the encoded amino acid sequence of the NOD2 protein. This variant is not present in population databases (ExAC no frequency). This variant has not been reported in the literature in individuals affected with NOD2-related conditions. Algorithms developed to predict the effect of sequence changes on RNA splicing suggest that this variant may create or strengthen a splice site. In summary, the available evidence is currently insufficient to determine the role of this variant in disease. Therefore, it has been classified as a Variant of Uncertain Significance.

NM_001370466.1(NOD2):c.2885+12A>G

Gene: NOD2 (nucleotide binding oligomerization domain containing 2; plus strand). Cytogenetic location: 16q12.1.
Variant type: single nucleotide variant.
Coding change: c.2885+12A>G on transcript NM_001370466.1 (MANE Select); 12 bases into the intron after coding-DNA position 2885, A replaced by G.
Molecular consequence: intron variant.
Genome position (GRCh38, 1-based): chr16:50,725,584, A>G. VCF-style: chr16-50725584-A-G. GRCh37 (hg19) VCF-style: chr16-50759495-A-G.
Other names: c.2966+12A>G (NM_022162.3); c.2885+12A>G (NM_001293557.2).
Identifiers: ClinVar variation 1509847 (VCV001509847.6), dbSNP rs751255487, ClinGen allele CA281280695.
Genomic context (GRCh38, chr16:50,725,584, plus strand): 5'-GTTCTCTCGCAGAAGGACTGAAGAAAAATTCAAGTTTGAAAATCCTGAAGTAAGGAACCC[A>G]TAAGCAGGAAACAGGACAATAATTGCTGGCCTTTGGAAGGGGCATTTCTGAATAAGATCT-3'